The following is an entry in ClinVar:

ClinVar aggregate classification (germline): Uncertain significance (1 of 4 stars; one submission).

Conditions:
Duchenne muscular dystrophy (DMD). Also called: MUSCULAR DYSTROPHY, PSEUDOHYPERTROPHIC PROGRESSIVE, DUCHENNE TYPE; Duchenne Muscular Dystrophy (DMD). Identifiers: Orphanet 98896, MedGen C0013264, MONDO:0010679, OMIM 310200.

Submission:

Labcorp Genetics (formerly Invitae), Labcorp
Classification: Uncertain significance for Duchenne muscular dystrophy. Last evaluated: 2024-08-28. Review status: criteria provided, single submitter. Criteria: Invitae Variant Classification Sherloc (09022015). Collection method: clinical testing. Allele origin: germline.
Comment: This sequence change replaces phenylalanine, which is neutral and non-polar, with leucine, which is neutral and non-polar, at codon 835 of the DMD protein (p.Phe835Leu). This variant is not present in population databases (gnomAD no frequency). This variant has not been reported in the literature in individuals affected with DMD-related conditions. Invitae Evidence Modeling of protein sequence and biophysical properties (such as structural, functional, and spatial information, amino acid conservation, physicochemical variation, residue mobility, and thermodynamic stability) indicates that this missense variant is not expected to disrupt DMD protein function with a negative predictive value of 95%. In summary, the available evidence is currently insufficient to determine the role of this variant in disease. Therefore, it has been classified as a Variant of Uncertain Significance.

NM_004006.3(DMD):c.2505C>G (p.Phe835Leu)

Gene: DMD (dystrophin; minus strand). Cytogenetic location: Xp21.1.
Variant type: single nucleotide variant.
Coding change: c.2505C>G on transcript NM_004006.3 (MANE Select); coding-DNA position 2505, C replaced by G.
Protein change: p.Phe835Leu; replaces phenylalanine 835 with leucine.
Molecular consequence: missense variant.
Genome position (GRCh38, 1-based): chrX:32,491,394, G>C on the plus strand (C>G on the coding strand, the complement: DMD is on the minus strand). VCF-style: chrX-32491394-G-C. GRCh37 (hg19) VCF-style: chrX-32509511-G-C.
Other names: c.2481C>G, p.Phe827Leu (NM_000109.4); c.2493C>G, p.Phe831Leu (NM_004009.3); c.2136C>G, p.Phe712Leu (NM_004010.3); short protein forms F827L, F835L, F712L, F831L.
Identifiers: ClinVar variation 3709354 (VCV003709354.2).